The following is an entry in ClinVar:

NM_006493.4(CLN5):c.380_381insA (p.Gly128fs)

Gene: CLN5 (CLN5 lysosomal BMP synthase; plus strand). Cytogenetic location: 13q22.3.
Variant type: Insertion.
Coding change: c.380_381insA on transcript NM_006493.4 (MANE Select); coding-DNA positions 380 to 381, A inserted.
Protein change: p.Gly128fs; shifts the reading frame from glycine 128.
Molecular consequence: frameshift variant.
Genome position: GRCh38 VCF-style: chr13-76995942-C-CA. GRCh37 (hg19) VCF-style: chr13-77570077-C-CA.
Other names: c.380_381insA, p.Gly128fs (NM_001366624.2); c.527_528insA (LRG_692t1); short protein forms G128fs.
Identifiers: ClinVar variation 56537 (VCV000056537.2), dbSNP rs386833973, ClinGen allele CA263894.

ClinVar aggregate classification (germline): Likely pathogenic (0 of 4 stars; one submission).

Conditions:
Neuronal ceroid lipofuscinosis 5 (CLN5). Also called: CEROID LIPOFUSCINOSIS, NEURONAL, 5, VARIABLE AGE AT ONSET; Neuronal ceroid lipofuscinosis Finnish variant; NEURONAL CEROID LIPOFUSCINOSIS, LATE INFANTILE, FINNISH VARIANT; CLN5-Related Neuronal Ceroid-Lipofuscinosis. Identifiers: Orphanet 168491, Orphanet 228360, MedGen C1850442, MONDO:0009745, OMIM 256731.

Submission:

Juha Muilu Group; Institute for Molecular Medicine Finland (FIMM)
Classification: Likely pathogenic for Ceroid lipofuscinosis neuronal 5. Review status: no assertion criteria provided. Collection method: not provided. Allele origin: unknown.
Comment: FinDis database variant: This variant was not found or characterized by our laboratory, data were collected from public sources: see reference
ClinVar note: Converted during submission from probable-pathogenic to Likely pathogenic.